The following is an entry in ClinVar:

ClinVar aggregate classification (germline): Pathogenic. Review status: reviewed by expert panel (3 of 4 stars). 3 submissions from 3 submitters: Pathogenic (1). 2 of the submissions do not count toward it. Last evaluated 2016-10-18.

Conditions:
Hereditary cancer-predisposing syndrome. Also called: Hereditary Cancer Syndrome; Neoplastic Syndromes, Hereditary; Hereditary neoplastic syndrome; Tumor predisposition. Identifiers: Orphanet 140162, MedGen C0027672, MeSH D009386, MONDO:0015356.
Breast-ovarian cancer, familial, susceptibility to, 1 (BROVCA1). Also called: BRCA1 Hereditary Breast and Ovarian Cancer; OVARIAN CANCER, SUSCEPTIBILITY TO. Identifiers: Orphanet 145, MedGen C2676676, MONDO:0011450, OMIM 604370. Disease mechanism: loss of function.

Submissions (3):

Evidence-based Network for the Interpretation of Germline Mutant Alleles (ENIGMA)
Classification: Pathogenic for Breast-ovarian cancer, familial, susceptibility to, 1. Last evaluated: 2016-10-18. Review status: reviewed by expert panel. Criteria: ENIGMA BRCA1/2 Classification Criteria (2015). Collection method: curation. Allele origin: germline.
Comment: Variant allele predicted to encode a truncated non-functional protein.

Ambry Genetics
Classification: Pathogenic for Hereditary cancer-predisposing syndrome. Last evaluated: 2024-05-10. Review status: criteria provided, single submitter. Criteria: Ambry Variant Classification Scheme 2023. Collection method: clinical testing. Allele origin: germline. Not counted in ClinVar's aggregate classification.
Comment: The c.4622_4623delAG pathogenic mutation, located in coding exon 13 of the BRCA1 gene, results from a deletion of two nucleotides at nucleotide positions 4622 to 4623, causing a translational frameshift with a predicted alternate stop codon (p.E1541Vfs*32). This variant is considered to be rare based on population cohorts in the Genome Aggregation Database (gnomAD). This alteration is expected to result in loss of function by premature protein truncation or nonsense-mediated mRNA decay. As such, this alteration is interpreted as a disease-causing mutation.

Consortium of Investigators of Modifiers of BRCA1/2 (CIMBA), c/o University of Cambridge
Classification: Pathogenic for Breast-ovarian cancer, familial, susceptibility to, 1. Last evaluated: 2015-10-02. Review status: criteria provided, single submitter. Criteria: CIMBA Mutation Classification guidelines May 2016. Collection method: clinical testing. Allele origin: germline. Not counted in ClinVar's aggregate classification.

NM_007294.4(BRCA1):c.4622_4623del (p.Glu1541fs)

Gene: BRCA1 (BRCA1 DNA repair associated; minus strand). Cytogenetic location: 17q21.31.
Variant type: Microsatellite.
Coding change: c.4622_4623del on transcript NM_007294.4 (MANE Select); coding-DNA positions 4622 to 4623, 2 bases deleted (AG; older notation c.4622_4623delAG).
Protein change: p.Glu1541fs; shifts the reading frame from glutamic acid 1541.
Molecular consequence: frameshift variant. On other transcripts: non-coding transcript variant (1).
Genome position (GRCh38, 1-based): chr17:43,074,383-43,074,384, CT deleted on the plus strand (AG on the coding strand, the reverse complement: BRCA1 is on the minus strand); deleting any 2 consecutive bases within chr17:43,074,383-43,074,386 gives the same sequence; the c. name uses the placement nearest the transcript's 3' end. VCF-style (leftmost placement, unchanged base first): chr17-43074382-ACT-A. GRCh37 (hg19) VCF-style: chr17-41226399-ACT-A.
Other names: 4741_4742delAG; c.4622_4623delAG (NM_007294.3); c.4476_4477AG[1], p.Glu1493Valfs (NM_001407744.1, NM_001407745.1, NM_001407746.1 and 21 more transcripts); c.4473_4474AG[1], p.Glu1492Valfs (NM_001407838.1, NM_001407839.1, NM_001407841.1 and 12 more transcripts); c.4620_4621AG[1], p.Glu1541Valfs (NM_001407854.1, NM_001407593.1, NM_001407594.1 and 8 more transcripts); c.4617_4618AG[1], p.Glu1540Valfs (NM_001407858.1, NM_001407859.1, NM_001407860.1 and 17 more transcripts); c.4614_4615AG[1], p.Glu1539Valfs (NM_001407861.1, NM_001407627.1, NM_001407628.1 and 14 more transcripts); c.4419_4420AG[1], p.Glu1474Valfs (NM_001407862.1); and 73 more; short protein forms E437fs, E1494fs, E1541fs, E1562fs.
Identifiers: ClinVar variation 266488 (VCV000266488.11), dbSNP rs886040241, ClinGen allele CA10589651.